The following is an entry in ClinVar:

ClinVar aggregate classification (germline): Likely pathogenic (1 of 4 stars; one submission).

Conditions:
Niemann-Pick disease, type C2 (NPC2). Identifiers: Orphanet 646, MedGen C1843366, MONDO:0011873, OMIM 607625.

Submission:

Myriad Genetics, Inc.
Classification: Likely pathogenic for Niemann-Pick disease, type C2. Last evaluated: 2022-03-14. Review status: criteria provided, single submitter. Criteria: Myriad Women's Health Autosomal Recessive and X-Linked Classification Criteria (2021). Collection method: clinical testing. Allele origin: unknown.
Comment: NM_006432.3(NPC2):c.64_65del2ins6(V22Lfs*48) is expected to be pathogenic in the context of Niemann-Pick disease type C2. This variant is predicted to lead to an abnormal or absent protein product due to the creation of a premature termination codon in NPC2, a gene where loss-of-function variants are known to be pathogenic. Please note: this variant was assessed in the context of healthy population screening.

NM_006432.5(NPC2):c.64_65delinsCTCACC (p.Val22fs)

Gene: NPC2 (NPC intracellular cholesterol transporter 2; minus strand). Cytogenetic location: 14q24.3.
Variant type: Indel.
Coding change: c.64_65delinsCTCACC on transcript NM_006432.5 (MANE Select); coding-DNA positions 64 to 65, GT replaced by CTCACC.
Protein change: p.Val22fs; shifts the reading frame from valine 22.
Molecular consequence: frameshift variant.
Genome position (GRCh38, 1-based): chr14:74,493,210-74,493,211, AC replaced by GGTGAG on the plus strand (GT replaced by CTCACC on the coding strand, the reverse complement: NPC2 is on the minus strand). VCF-style: chr14-74493210-AC-GGTGAG. GRCh37 (hg19) VCF-style: chr14-74959913-AC-GGTGAG.
Other names: c.64_65delinsCTCACC, p.Val22fs (NM_001363688.1, NM_001375440.1); short protein forms V22fs.
Identifiers: ClinVar variation 1725222 (VCV001725222.2), dbSNP rs2506115412, ClinGen allele CA2580088741.